The following is an entry in ClinVar:

NM_004370.6(COL12A1):c.7844C>A (p.Ser2615Tyr)

Gene: COL12A1 (collagen type XII alpha 1 chain; minus strand). Cytogenetic location: 6q13.
Variant type: single nucleotide variant.
Coding change: c.7844C>A on transcript NM_004370.6 (MANE Select); coding-DNA position 7844, C replaced by A.
Protein change: p.Ser2615Tyr; replaces serine 2615 with tyrosine.
Molecular consequence: missense variant.
Genome position (GRCh38, 1-based): chr6:75,113,310, G>T on the plus strand (C>A on the coding strand, the complement: COL12A1 is on the minus strand). VCF-style: chr6-75113310-G-T. GRCh37 (hg19) VCF-style: chr6-75823026-G-T.
Other names: c.4352C>A, p.Ser1451Tyr (NM_080645.3); short protein forms S1451Y, S2615Y.
Identifiers: ClinVar variation 1318861 (VCV001318861.4), dbSNP rs2149358241, ClinGen allele CA364743973.
Genomic context (GRCh38, chr6:75,113,310, plus strand): 5'-AATGTAACAGTTTGCACCTCGCCTCTTGTATCCTTGTTAAAGAATGATAACGTCTTGCTA[G>T]AAGCTGTAATCAACATAAAAGTGTTATTAAATCATATGCATTGTATAATTTTTATTTAAA-3'
Protein context (NP_004361.3, residues 2605-2625): KPQVGVIADP[Ser2615Tyr]SKTLSFFNKD

ClinVar aggregate classification (germline): Uncertain significance. Review status: criteria provided, multiple submitters, no conflicts (2 of 4 stars). 2 submissions from 2 submitters: Uncertain significance (2). Last evaluated 2020-11-07.

Submissions (2):

Revvity Omics, Revvity
Classification: Uncertain significance. Last evaluated: 2020-11-07. Review status: criteria provided, single submitter. Criteria: ACMG Guidelines, 2015. Collection method: clinical testing. Allele origin: germline.

GeneDx
Classification: Uncertain significance. Last evaluated: 2020-04-28. Review status: criteria provided, single submitter. Criteria: GeneDx Variant Classification Process June 2021. Collection method: clinical testing. Allele origin: germline. Affected: yes.
Comment: Not observed in large population cohorts (Lek et al., 2016); In silico analysis supports that this missense variant has a deleterious effect on protein structure/function; Has not been previously published as pathogenic or benign to our knowledge